The following is an entry in ClinVar:

ClinVar aggregate classification (germline): Likely benign. Review status: criteria provided, single submitter (1 of 4 stars). 2 submissions from 2 submitters: Likely benign (1). 1 of the submissions does not count toward it. Last evaluated 2025-09-08.

Conditions:
46,XY sex reversal 6. Also called: 46,XY SEX REVERSAL, PARTIAL OR COMPLETE, MAP3K1-RELATED; 46,XY GONADAL DYSGENESIS, PARTIAL OR COMPLETE, MAP3K1-RELATED. Identifiers: MedGen C3151064, MONDO:0013410, OMIM 613762.

Allele frequency attached by ClinVar (database versions not stated): gnomAD 0.00002 and 0.00001; TOPMed 0.00002; 1000 Genomes Project 30x 0.00016; ESP Exome Variant Server 0.00017; ExAC 0.00002; gnomAD exomes 0.00001 and 0.00002; 1000 Genomes Project 0.00020.
gnomAD v4.1: 22 of 1,613,918 alleles (0.0014%); highest among the groups gnomAD compares: Middle Eastern, 0.017%; no homozygotes.

Submissions (2):

Labcorp Genetics (formerly Invitae), Labcorp
Classification: Likely benign for 46,XY sex reversal 6. Last evaluated: 2025-09-08. Review status: criteria provided, single submitter. Criteria: Invitae Variant Classification Sherloc (09022015). Collection method: clinical testing. Allele origin: germline.

Department of Pathology and Laboratory Medicine, Sinai Health System
Classification: Uncertain significance. Review status: no assertion criteria provided. Collection method: clinical testing. Allele origin: unknown. Affected: yes. Study: The Canadian Open Genetics Repository (COGR). Not counted in ClinVar's aggregate classification.
Comment: The MAP3K1 p.Arg339Trp variant was not identified in the literature nor was it identified in ClinVar, Cosmic or LOVD 3.0. The variant was identified in dbSNP (ID: rs373572109) and in control databases in 4 of 249332 chromosomes at a frequency of 0.000016 (Genome Aggregation Database Feb 27, 2017). The variant was observed in the following populations: African in 2 of 15486 chromosomes (freq: 0.000129), European (Finnish) in 1 of 21558 chromosomes (freq: 0.000046) and European (non-Finnish) in 1 of 113094 chromosomes (freq: 0.000009), but not in the Latino, Ashkenazi Jewish, East Asian, Other, and South Asian populations. The p.Arg339 residue is conserved across mammals and other organisms, and four out of five computational analyses (PolyPhen-2, SIFT, AlignGVGD, BLOSUM, MutationTaster) suggest that the R variant may impact the protein; however, this information is not predictive enough to assume pathogenicity. The variant occurs outside of the splicing consensus sequence and in silico or computational prediction software programs (SpliceSiteFinder, MaxEntScan, NNSPLICE, GeneSplicer) do not predict a difference in splicing. In summary, based on the above information the clinical significance of this variant cannot be determined with certainty at this time. This variant is classified as a variant of uncertain significance.

NM_005921.2(MAP3K1):c.1015C>T (p.Arg339Trp)

Gene: MAP3K1 (mitogen-activated protein kinase kinase kinase 1; plus strand). Cytogenetic location: 5q11.2.
Variant type: single nucleotide variant.
Coding change: c.1015C>T on transcript NM_005921.2 (MANE Select); coding-DNA position 1015, C replaced by T.
Protein change: p.Arg339Trp; replaces arginine 339 with tryptophan.
Molecular consequence: missense variant.
Genome position (GRCh38, 1-based): chr5:56,864,914, C>T. VCF-style: chr5-56864914-C-T. GRCh37 (hg19) VCF-style: chr5-56160741-C-T.
Other names: short protein forms R339W.
Identifiers: ClinVar variation 1049556 (VCV001049556.6), dbSNP rs373572109, ClinGen allele CA3272662.